The following is an entry in ClinVar:

NM_020975.6(RET):c.430C>T (p.Arg144Cys)

Gene: RET (ret proto-oncogene; plus strand). Cytogenetic location: 10q11.21.
Variant type: single nucleotide variant.
Coding change: c.430C>T on transcript NM_020975.6 (MANE Select); coding-DNA position 430, C replaced by T.
Protein change: p.Arg144Cys; replaces arginine 144 with cysteine.
Molecular consequence: missense variant.
Genome position (GRCh38, 1-based): chr10:43,102,434, C>T. VCF-style: chr10-43102434-C-T. GRCh37 (hg19) VCF-style: chr10-43597882-C-T.
Other names: c.430C>T, p.Arg144Cys (NM_001406765.1, NM_001406769.1, NM_001406771.1 and 16 more transcripts); short protein forms R144C.
Identifiers: ClinVar variation 824780 (VCV000824780.13), dbSNP rs1588863984, ClinGen allele CA376770810.

ClinVar aggregate classification (germline): Conflicting classifications of pathogenicity. Review status: criteria provided, conflicting classifications (1 of 4 stars). 4 submissions from 4 submitters: Likely pathogenic (1); Uncertain significance (3). Last evaluated 2024-05-18.

Conditions:
Hereditary cancer-predisposing syndrome. Also called: Hereditary neoplastic syndrome; Neoplastic Syndromes, Hereditary; Tumor predisposition; Hereditary Cancer Syndrome. Identifiers: Orphanet 140162, MedGen C0027672, MeSH D009386, MONDO:0015356.
Multiple endocrine neoplasia, type 2 (MEN2). Identifiers: Orphanet 653, MedGen C4048306, MONDO:0019003. Disease mechanism: gain of function.
RET-related disorder. Also called: RET-related condition; RET-related disease; RET-related disorders.
Multiple endocrine neoplasia type 2B. Also called: MUCOSAL NEUROMA SYNDROME; Multiple endocrine neoplasia, type 3; MULTIPLE ENDOCRINE NEOPLASIA, TYPE IIB; Multiple Endocrine Neoplasia Type 2B (MEN2B); MEN IIB; NEUROMATA, MUCOSAL, WITH ENDOCRINE TUMORS. Identifiers: Orphanet 247709, Orphanet 653, MedGen C0025269, MeSH D018814, MONDO:0008082, OMIM 162300.
Hirschsprung disease, susceptibility to, 1 (HSCR1). Also called: RET-Related Hirschsprung Disease. Identifiers: Orphanet 388, MedGen C3888239, MONDO:0007723, OMIM 142623.
Pheochromocytoma. Also called: MAX-Related Hereditary Paraganglioma-Pheochromocytoma Syndrome. Identifiers: Orphanet 29072, MedGen C0031511, MONDO:0008233, OMIM 171300, HP:0002666.
Multiple endocrine neoplasia type 2A. Also called: MULTIPLE ENDOCRINE NEOPLASIA, TYPE IIA; PTC SYNDROME; SIPPLE SYNDROME; MEN 2A; MEN-2A syndrome; Pheochromocytoma and amyloid producing medullary thyroid carcinoma. Identifiers: Orphanet 247698, Orphanet 653, MedGen C0025268, MeSH D018813, MONDO:0008234, OMIM 171400.
Familial medullary thyroid carcinoma (MTC). Also called: Familial Medullary Thyroid Carcinoma (FMTC); Thyroid cancer, familial medullary; MTC, familial. Identifiers: Orphanet 653, Orphanet 99361, MedGen C1833921, MONDO:0007958, OMIM 155240.

Allele frequency attached by ClinVar (database versions not stated): gnomAD exomes below 0.00001; TOPMed below 0.00001; gnomAD 0.00001.
gnomAD v4.1: 4 of 1,614,136 alleles (0.00025%); highest among the groups gnomAD compares: Admixed American, 0.0017%; no homozygotes.

Submissions (4):

Fulgent Genetics
Classification: Uncertain significance for Hirschsprung disease, susceptibility to, 1; Familial medullary thyroid carcinoma; Multiple endocrine neoplasia type 2B; Pheochromocytoma; Multiple endocrine neoplasia type 2A. Last evaluated: 2024-05-18. Review status: criteria provided, single submitter. Criteria: ACMG Guidelines, 2015. Collection method: clinical testing. Allele origin: germline.

Labcorp Genetics (formerly Invitae), Labcorp
Classification: Uncertain significance for Multiple endocrine neoplasia, type 2. Last evaluated: 2022-04-24. Review status: criteria provided, single submitter. Criteria: Invitae Variant Classification Sherloc (09022015). Collection method: clinical testing. Allele origin: germline.
Comment: In summary, the available evidence is currently insufficient to determine the role of this variant in disease. Therefore, it has been classified as a Variant of Uncertain Significance. Algorithms developed to predict the effect of missense changes on protein structure and function are either unavailable or do not agree on the potential impact of this missense change (SIFT: "Tolerated"; PolyPhen-2: "Possibly Damaging"; Align-GVGD: "Class C0"). ClinVar contains an entry for this variant (Variation ID: 824780). This missense change has been observed in individual(s) with Hirschsprung disease (PMID: 23084198). This variant is not present in population databases (gnomAD no frequency). This sequence change replaces arginine, which is basic and polar, with cysteine, which is neutral and slightly polar, at codon 144 of the RET protein (p.Arg144Cys).

Ambry Genetics
Classification: Uncertain significance for Hereditary cancer-predisposing syndrome. Last evaluated: 2022-03-24. Review status: criteria provided, single submitter. Criteria: Ambry Variant Classification Scheme 2023. Collection method: clinical testing. Allele origin: germline.
Comment: The p.R144C variant (also known as c.430C>T), located in coding exon 3 of the RET gene, results from a C to T substitution at nucleotide position 430. The arginine at codon 144 is replaced by cysteine, an amino acid with highly dissimilar properties. This amino acid position is not well conserved in available vertebrate species. In addition, the in silico prediction for this alteration is inconclusive. Since supporting evidence is limited at this time, the clinical significance of this alteration remains unclear.

Blueprint Genetics
Classification: Likely pathogenic for RET-related disorders. Last evaluated: 2020-02-17. Review status: criteria provided, single submitter. Criteria: ACMG Guidelines, 2015. Collection method: clinical testing. Allele origin: germline. Affected: yes. Observed: 1 variant allele.

Literature cited by the submitters: PubMed 23084198 (cited by Labcorp Genetics (formerly Invitae), Labcorp and Ambry Genetics).